The following is an entry in ClinVar:

ClinVar aggregate classification (germline): Pathogenic/Likely pathogenic. Review status: criteria provided, multiple submitters, no conflicts (2 of 4 stars). 2 submissions from 2 submitters: Pathogenic (1); Likely pathogenic (1). Last evaluated 2025-04-30.

Conditions:
Leukodystrophy. Identifiers: Orphanet 68356, MedGen C0023520, MONDO:0019046, HP:0002415.
Leukodystrophy, hypomyelinating, 7, with or without oligodontia and/or hypogonadotropic hypogonadism (HLD7). Also called: LEUKOENCEPHALOPATHY, HYPOMYELINATING, WITH ATAXIA AND DELAYED DENTITION; ATAXIA, DELAYED DENTITION, AND HYPOMYELINATION; LEUKODYSTROPHY, HYPOMYELINATING, 7, WITH OLIGODONTIA; LEUKODYSTROPHY, HYPOMYELINATING, 7, WITH OLIGODONTIA AND HYPOGONADOTROPIC HYPOGONADISM; LEUKODYSTROPHY, HYPOMYELINATING, 7, WITHOUT OLIGODONTIA OR HYPOGONADOTROPIC HYPOGONADISM; Ataxia, Delayed Dentition and Hypomyelination (ADDH). Identifiers: Orphanet 137639, Orphanet 447893, Orphanet 447896, Orphanet 77295, Orphanet 88637, MedGen CN034185, MONDO:0011897, OMIM 607694.

Allele frequency attached by ClinVar (database versions not stated): TOPMed below 0.00001; gnomAD exomes 0.00001.
gnomAD v4.1: 19 of 1,601,874 alleles (0.0012%); highest among the groups gnomAD compares: Non-Finnish European, 0.0015%; no homozygotes.

Submissions (2):

Broad Center for Mendelian Genomics, Broad Institute of MIT and Harvard
Classification: Likely pathogenic for Leukodystrophy. Last evaluated: 2025-04-30. Review status: criteria provided, single submitter. Criteria: ACMG Guidelines, 2015. Collection method: curation. Allele origin: germline.
Comment: The c.3243-1G>A variant in POLR3A has not been previously reported in the literature in individuals with with POLR3A-related disorders, but has been identified in 0.002% (18/1169154) of European (non-Finnish) chromosomes by the Genome Aggregation Database (gnomAD; dbSNP ID: rs1554837782). Although this variant has been seen in the general population in a heterozygous state, its frequency is low enough to be consistent with a recessive carrier frequency. This variant has also been reported in ClinVar (VCV000436361.6) and has been interpreted as pathogenic by Genetic Services Laboratory (University of Chicago). This variant is located in the 5' splice region. This variant is located in the 5' splice region. SpliceAI predictions indicate use of an out-of-frame cryptic splice site 17 bases from the intron-exon boundary, providing evidence that this variant may cause a frameshift and lead to a premature termination codon downstream. This alteration is then predicted to lead to a truncated or absent protein. However, this information is not predictive enough to determine pathogenicity. Loss of function of the POLR3A gene is an established disease mechanism in autosomal recessive POLR3A-related disorders. In summary, although additional studies are required to fully establish its clinical significance, this variant is likely pathogenic for autosomal recessive POLR3A-related disorders. ACMG/AMP Criteria applied: PVS1, PM2_supporting (Richards 2015).

Genetic Services Laboratory, University of Chicago
Classification: Pathogenic for Leukodystrophy, hypomyelinating, 7, with or without oligodontia and/or hypogonadotropic hypogonadism. Last evaluated: 2016-07-26. Review status: criteria provided, single submitter. Criteria: ACMG Guidelines, 2015. Collection method: clinical testing. Allele origin: germline. Affected: yes.

NM_007055.4(POLR3A):c.3243-1G>A

Genes: POLR3A (RNA polymerase III subunit A; minus strand), LOC126860970 (BRD4-independent group 4 enhancer GRCh37_chr10:79743812-79745011; plus strand). Cytogenetic location: 10q22.3.
Variant type: single nucleotide variant.
Coding change: c.3243-1G>A on transcript NM_007055.4 (MANE Select); the canonical splice acceptor site of the intron before coding-DNA position 3243, G replaced by A.
Molecular consequence: splice acceptor variant.
Genome position (GRCh38, 1-based): chr10:77,984,299, C>T on the plus strand (G>A on the coding strand, the complement: POLR3A is on the minus strand). VCF-style: chr10-77984299-C-T. GRCh37 (hg19) VCF-style: chr10-79744057-C-T.
Identifiers: ClinVar variation 436361 (VCV000436361.7), dbSNP rs1554837782, ClinGen allele CA377330689.
Genomic context (GRCh38, chr10:77,984,299, plus strand): 5'-ACGAGGCGAGCATAATCCGCGTCGTCATCCTTGTCTAGCTGTGCTGTGATAATTGGAGTG[C>T]TGTTGAGAAGCAAAGGAAAAATGGCACTAGCACAAGGGAGGAGGCTGTTTGAGGACTACT-3'